The following is an entry in ClinVar:

ClinVar aggregate classification (germline): Pathogenic (0 of 4 stars; one submission).

Conditions:
Werner syndrome (WRN). Identifiers: Orphanet 902, MedGen C0043119, MONDO:0010196, OMIM 277700.

Submission:

Clinical Genetics Unit, University Hospital Principe de Asturias
Classification: Pathogenic for Werner syndrome. Last evaluated: 2022-11-13. Review status: no assertion criteria provided. Collection method: clinical testing. Allele origin: germline. Inheritance: Autosomal recessive inheritance. Affected: yes. Observed: 1 homozygote.

Literature cited by the submitters: PubMed 36292687.

L76937.1:c.3711del

Gene: WRN (WRN RecQ like helicase; plus strand).
Variant type: Deletion.
Other names: c.3711del (L76937.1).
Identifiers: ClinVar variation 1801483 (VCV001801483.3), dbSNP rs1563385391.